The following is an entry in ClinVar:

NM_000051.4(ATM):c.6976-11T>C

Genes: ATM (ATM serine/threonine kinase; plus strand), C11orf65 (chromosome 11 open reading frame 65; minus strand). Cytogenetic location: 11q22.3.
Variant type: single nucleotide variant.
Coding change: c.6976-11T>C on transcript NM_000051.4 (MANE Select); 11 bases into the intron before coding-DNA position 6976, T replaced by C.
Molecular consequence: intron variant.
Genome position (GRCh38, 1-based): chr11:108,327,634, T>C. VCF-style: chr11-108327634-T-C. GRCh37 (hg19) VCF-style: chr11-108198361-T-C.
Other names: c.6976-11T>C (NM_001351834.2); c.641-18563A>G (NM_001330368.2); c.*38+7586A>G (NM_001351110.2).
Identifiers: ClinVar variation 629121 (VCV000629121.12), dbSNP rs1565523441, ClinGen allele CA913188456.

ClinVar aggregate classification (germline): Likely benign. Review status: criteria provided, multiple submitters, no conflicts (2 of 4 stars). 3 submissions from 3 submitters: Likely benign (3). Last evaluated 2024-11-10.

Conditions:
Familial cancer of breast. Also called: Hereditary breast cancer; BREAST CANCER, FAMILIAL; hereditary breast carcinoma. Identifiers: Orphanet 227535, MedGen C0346153, MONDO:0016419, OMIM 114480. Disease mechanism: loss of function.
Ataxia-telangiectasia syndrome (AT). Also called: Ataxia-telangiectasia, complementation group D; AT, COMPLEMENTATION GROUP C; ATAXIA-TELANGIECTASIA, COMPLEMENTATION GROUP A; ATAXIA-TELANGIECTASIA, FRESNO VARIANT; Ataxia-telangiectasia; LOUIS-BAR SYNDROME. Identifiers: Orphanet 100, MedGen C0004135, MONDO:0008840, OMIM 208900.
Hereditary cancer-predisposing syndrome. Also called: Tumor predisposition; Hereditary neoplastic syndrome; Neoplastic Syndromes, Hereditary; Hereditary Cancer Syndrome. Identifiers: Orphanet 140162, MedGen C0027672, MeSH D009386, MONDO:0015356.

Allele frequency attached by ClinVar (database versions not stated): gnomAD exomes 0.00001.
gnomAD v4.1: 3 of 1,608,830 alleles (0.00019%); highest among the groups gnomAD compares: Non-Finnish European, 0.00026%; no homozygotes.

Submissions (3):

Labcorp Genetics (formerly Invitae), Labcorp
Classification: Likely benign for Ataxia-telangiectasia syndrome. Last evaluated: 2024-11-10. Review status: criteria provided, single submitter. Criteria: Invitae Variant Classification Sherloc (09022015). Collection method: clinical testing. Allele origin: germline.

Myriad Genetics, Inc.
Classification: Likely benign for Familial cancer of breast. Last evaluated: 2024-06-12. Review status: criteria provided, single submitter. Criteria: Myriad Autosomal Dominant, Autosomal Recessive and X-Linked Classification Criteria (2023). Collection method: clinical testing. Allele origin: unknown.
Comment: This variant is considered likely benign. This variant is intronic and is not expected to impact mRNA splicing.

Color Diagnostics, LLC DBA Color Health
Classification: Likely benign for Hereditary cancer-predisposing syndrome. Last evaluated: 2023-11-20. Review status: criteria provided, single submitter. Criteria: ACMG Guidelines, 2015. Collection method: clinical testing. Allele origin: germline.